The following is an entry in ClinVar:

NM_003742.4(ABCB11):c.1623C>G (p.Ile541Met)

Gene: ABCB11 (ATP binding cassette subfamily B member 11; minus strand). Cytogenetic location: 2q31.1.
Variant type: single nucleotide variant.
Coding change: c.1623C>G on transcript NM_003742.4 (MANE Select); coding-DNA position 1623, C replaced by G.
Protein change: p.Ile541Met; replaces isoleucine 541 with methionine.
Molecular consequence: missense variant.
Genome position (GRCh38, 1-based): chr2:168,971,862, G>C on the plus strand (C>G on the coding strand, the complement: ABCB11 is on the minus strand). VCF-style: chr2-168971862-G-C. GRCh37 (hg19) VCF-style: chr2-169828372-G-C.
Other names: short protein forms I541M.
Identifiers: ClinVar variation 812749 (VCV000812749.3), dbSNP rs764296800, ClinGen allele CA349115272.
Genomic context (GRCh38, chr2:168,971,862, plus strand): 5'-TCTATGACCTCTTAGTTTCTCCCAGGAATGTATGGCTAGGGGTACCTGTGGCAGGTCCAT[G>C]ATGAAGTTGTAGGCATTGGCCTCCTTGGCAGCTTGGACTATGTCTTCCATTGTTGCATCT-3'
Protein context (NP_003733.2, residues 531-551): AAKEANAYNF[Ile541Met]MDLPQQFDTL

ClinVar aggregate classification (germline): Likely pathogenic. Review status: criteria provided, single submitter (1 of 4 stars). 2 submissions from 2 submitters: Likely pathogenic (1). 1 of the submissions does not count toward it. Last evaluated 2026-04-14.

Conditions:
Familial intrahepatic cholestasis. Identifiers: Orphanet 284385, MedGen CN296401, MONDO:0017290.
Cholestasis, intrahepatic, of pregnancy, 3. Identifiers: Orphanet 69665, MedGen C3554241, MONDO:0013995, OMIM 614972.

Submissions (2):

Genomenon, Inc
Classification: Likely pathogenic for Familial intrahepatic cholestasis. Last evaluated: 2026-04-14. Review status: criteria provided, single submitter. Criteria: Genomenon Sequence Variant Interpretation Standards - Updated. Collection method: curation. Allele origin: germline. Affected: yes.
Comment: ABCB11 p.Ile541Met (c.1623C>G) is a missense variant that changes the amino acid at residue 541 from Isoleucine to Methionine. This variant has been observed in at least one proband with an ABCB11-related disorder (PMID:32581362;32087350). The presence of pathogenic or likely pathogenic missense variant(s) at the same amino acid position indicates that this residue is likely important for protein function. It is absent or not present at a significant frequency in gnomAD. In silico models predict that this variant is possibly or probably damaging. In conclusion, we classify ABCB11 p.Ile541Met (c.1623C>G) as a likely pathogenic variant.

NIHR Bioresource Rare Diseases, University of Cambridge
Classification: Likely pathogenic for Cholestasis, intrahepatic, of pregnancy, 3. Review status: no assertion criteria provided. Collection method: research. Allele origin: unknown. Affected: yes. Observed: 1 variant allele. Not counted in ClinVar's aggregate classification.

Literature cited by the submitters: PubMed 32581362 (cited by Genomenon, Inc and NIHR Bioresource Rare Diseases, University of Cambridge); PubMed 32087350 (cited by Genomenon, Inc).